The following is an entry in ClinVar:

NM_005340.7(HINT1):c.-13G>C

Gene: HINT1 (histidine triad nucleotide binding protein 1; minus strand). Cytogenetic location: 5q23.3.
Variant type: single nucleotide variant.
Coding change: c.-13G>C on transcript NM_005340.7 (MANE Select); 13 bases upstream of the start codon, G replaced by C.
Molecular consequence: 5 prime UTR variant. On other transcripts: non-coding transcript variant (5).
Genome position (GRCh38, 1-based): chr5:131,165,218, C>G on the plus strand (G>C on the coding strand, the complement: HINT1 is on the minus strand). VCF-style: chr5-131165218-C-G. GRCh37 (hg19) VCF-style: chr5-130500911-C-G.
Identifiers: ClinVar variation 510825 (VCV000510825.1), dbSNP rs141022872, ClinGen allele CA3398675.
Genomic context (GRCh38, chr5:131,165,218, plus strand): 5'-GTCGCCACCAGGCCGAGCGACCTGAGCCTTGGCAATCTCATCTGCCATCTCGGCCTCTCT[C>G]CCGCGCGGCGGCCAGAGGAGAGGCTCGGAAGAAGGGAGGAACCCGCAGAGCGTGCGGCGC-3'

ClinVar aggregate classification (germline): Likely benign (1 of 4 stars; one submission).

Allele frequency attached by ClinVar (database versions not stated): ExAC 0.00005; ESP Exome Variant Server 0.00008; TOPMed 0.00015; 1000 Genomes Project 30x 0.00016; gnomAD 0.00019 and 0.00023; 1000 Genomes Project 0.00020.
gnomAD v4.1: 55 of 1,602,948 alleles (0.0034%); highest among the groups gnomAD compares: African/African-American, 0.063%; no homozygotes.

Submission:

GeneDx
Classification: Likely benign. Last evaluated: 2017-07-18. Review status: criteria provided, single submitter. Criteria: GeneDx Variant Classification (06012015). Collection method: clinical testing. Allele origin: germline. Affected: yes.
Comment: This variant is considered likely benign or benign based on one or more of the following criteria: it is a conservative change, it occurs at a poorly conserved position in the protein, it is predicted to be benign by multiple in silico algorithms, and/or has population frequency not consistent with disease.